The following is an entry in ClinVar:

ClinVar aggregate classification (germline): Likely pathogenic (1 of 4 stars; one submission).

Submission:

GeneDx
Classification: Likely pathogenic. Last evaluated: 2016-05-26. Review status: criteria provided, single submitter. Criteria: GeneDx Variant Classification (06012015). Collection method: clinical testing. Allele origin: germline. Affected: yes.
Comment: The c.1333_1354dup22 likely pathogenic variant in the TBX1 gene causes a frameshift starting with codon Proline 452, changes this amino acid to an Arginine residue and creates an extended Stop codon at position 172 of the new reading frame, denoted p.Pro452ArgfsX172. While the variant abolishes part of the transactivation domain (Ogata et al., 2014), it is not predicted to cause loss of normal protein function either through protein truncation or nonsense-mediated mRNA decay, as the final 44 amino acids are replaced by 171 incorrect amino acids. Additionally, no downstream frameshift variants in the TBX1 gene have been reported in the Human Gene Mutation Database to our knowledge. The variant was not observed in approximately 4,900 individuals of European and African American ancestry in the NHLBI Exome Sequencing Project, indicating it is not a common benign variant in these populations. The c.1333_1354dup22 variant is a strong candidate for a pathogenic variant, however the possibility it may be a rare benign variant cannot be excluded.

NM_001379200.1(TBX1):c.1360_1381dup (p.Pro461fs)

Gene: TBX1 (T-box transcription factor 1; plus strand). Cytogenetic location: 22q11.21.
Variant type: Duplication.
Coding change: c.1360_1381dup on transcript NM_001379200.1 (MANE Select); coding-DNA positions 1360 to 1381, 22 bases duplicated (GGCTACCACCCGCACGCGCATC).
Protein change: p.Pro461fs; shifts the reading frame from proline 461.
Molecular consequence: frameshift variant. On other transcripts: intron variant (2).
Genome position (GRCh38, 1-based): chr22:19,766,712-19,766,733, GGCTACCACCCGCACGCGCATC duplicated; duplicating any 22 consecutive bases within chr22:19,766,711-19,766,733 gives the same sequence; the c. name uses the placement nearest the transcript's 3' end. VCF-style (leftmost placement, unchanged base first): chr22-19766710-A-ACGGCTACCACCCGCACGCGCAT. GRCh37 (hg19) VCF-style: chr22-19754233-A-ACGGCTACCACCCGCACGCGCAT.
Other names: c.1333_1354dupGGCTACCACCCGCACGCGCATC (NM_080647.1); c.1333_1354dup, p.Pro452fs (NM_080647.1); c.1009+710_1009+731dup (NM_005992.1, NM_080646.2); short protein forms P452fs, P461fs.
Identifiers: ClinVar variation 421265 (VCV000421265.2), dbSNP rs1555896828, ClinGen allele CA16621037.
Genomic context (GRCh38, chr22:19,766,710, plus strand): 5'-ACCACTATCTCGGGGCCAAGAGCCGGCCGGCGCCCTACCCGCTGCCCGGCCTGCGTGGCC[A>ACGGCTACCACCCGCACGCGCAT]CGGCTACCACCCGCACGCGCATCCGCACCACCACCACCACCCCGTGAGTCCAGCCGCCGC-3'